The following is an entry in ClinVar:

ClinVar aggregate classification (germline): Uncertain significance (1 of 4 stars; one submission).

Submission:

Women's Health and Genetics/Laboratory Corporation of America, LabCorp
Classification: Uncertain significance. Last evaluated: 2025-06-11. Review status: criteria provided, single submitter. Criteria: LabCorp Variant Classification Summary - May 2015. Collection method: clinical testing. Allele origin: germline.
Comment: Variant summary: SACS c.2185G>A (p.Gly729Arg) results in a non-conservative amino acid change in the encoded protein sequence. Algorithms developed to predict the effect of missense changes on protein structure and function are either unavailable or do not agree on the potential impact of this missense change. Several computational tools predict a significant impact on normal splicing: Two predict the variant abolishes a 5' splicing donor site. However, these predictions have yet to be confirmed by functional studies. The variant was absent in 250302 control chromosomes. The available data on variant occurrences in the general population are insufficient to allow any conclusion about variant significance. To our knowledge, no occurrence of c.2185G>A in individuals affected with Autosomal Recessive Spastic Ataxia Of Charlevoix-Saguenay and no experimental evidence demonstrating its impact on protein function have been reported. No submitters have cited clinical-significance assessments for this variant to ClinVar. Based on the evidence outlined above, the variant was classified as uncertain significance.

NM_014363.6(SACS):c.2185G>A (p.Gly729Arg)

Gene: SACS (sacsin molecular chaperone; minus strand). Cytogenetic location: 13q12.12.
Variant type: single nucleotide variant.
Coding change: c.2185G>A on transcript NM_014363.6 (MANE Select); coding-DNA position 2185, G replaced by A.
Protein change: p.Gly729Arg; replaces glycine 729 with arginine.
Molecular consequence: missense variant.
Genome position (GRCh38, 1-based): chr13:23,353,785, C>T on the plus strand (G>A on the coding strand, the complement: SACS is on the minus strand). VCF-style: chr13-23353785-C-T. GRCh37 (hg19) VCF-style: chr13-23927924-C-T.
Other names: c.1744G>A, p.Gly582Arg (NM_001278055.2); short protein forms G582R, G729R.
Identifiers: ClinVar variation 3907196 (VCV003907196.1).
Genomic context (GRCh38, chr13:23,353,785, plus strand): 5'-TTTTAAAAAACTTGTATTTTTATATAGAAGTTTATTTAAAAGAATACTAAACTATAATAC[C>T]TCGGGTTTGGGCAGCTTCCTTTAAAGCAGCCACAAGGTGAGGTTTCAAGTTATCCAAAAT-3'
Protein context (NP_055178.3, residues 719-739): AALKEAAQTR[Gly729Arg]RPCTQLQLLN